The following is an entry in ClinVar:

ClinVar aggregate classification (germline): Benign/Likely benign. Review status: criteria provided, multiple submitters, no conflicts (2 of 4 stars). 7 submissions from 6 submitters: Benign (5); Likely benign (2). Last evaluated 2026-01-27.

Conditions:
Autosomal recessive nonsyndromic hearing loss 21. Identifiers: Orphanet 90636, MedGen C1863655, MONDO:0011351, OMIM 603629.
Autosomal dominant nonsyndromic hearing loss 12. Also called: DEAFNESS, AUTOSOMAL DOMINANT 8. Identifiers: Orphanet 90635, MedGen C1832187, MONDO:0011102, OMIM 601543.

Allele frequency attached by ClinVar (database versions not stated): gnomAD exomes 0.00201 and 0.00538; ExAC 0.00686; gnomAD 0.02026 and 0.02153; TOPMed 0.02372; ESP Exome Variant Server 0.02407; 1000 Genomes Project 30x 0.02936; 1000 Genomes Project 0.02995.
gnomAD v4.1: 6,144 of 1,613,882 alleles (0.38%); highest among the groups gnomAD compares: African/African-American, 7%; 187 homozygotes.

Submissions (7):

Labcorp Genetics (formerly Invitae), Labcorp
Classification: Benign. Last evaluated: 2026-01-27. Review status: criteria provided, single submitter. Criteria: Invitae Variant Classification Sherloc (09022015). Collection method: clinical testing. Allele origin: germline.

ARUP Laboratories, Molecular Genetics and Genomics, ARUP Laboratories
Classification: Benign. Last evaluated: 2023-11-22. Review status: criteria provided, single submitter. Criteria: ARUP Molecular Germline Variant Investigation Process 2024. Collection method: clinical testing. Allele origin: germline.

Illumina Laboratory Services, Illumina
Classification: Likely benign for Autosomal recessive nonsyndromic hearing loss 21. Last evaluated: 2018-01-13. Review status: criteria provided, single submitter. Criteria: ICSL Variant Classification Criteria 13 December 2019. Collection method: clinical testing. Allele origin: germline.
Comment: This variant was observed in the ICSL laboratory as part of a predisposition screen in an ostensibly healthy population. It had not been previously curated by ICSL or reported in the Human Gene Mutation Database (HGMD: prior to June 1st, 2018), and was therefore a candidate for classification through an automated scoring system. Utilizing variant allele frequency, disease prevalence and penetrance estimates, and inheritance mode, an automated score was calculated to assess if this variant is too frequent to cause the disease. Based on the score and internal cut-off values, a variant classified as likely benign is not then subjected to further curation. The score for this variant resulted in a classification of likely benign for this disease.

Illumina Laboratory Services, Illumina
Classification: Benign for Autosomal dominant nonsyndromic hearing loss 12. Last evaluated: 2018-01-13. Review status: criteria provided, single submitter. Criteria: ICSL Variant Classification Criteria 13 December 2019. Collection method: clinical testing. Allele origin: germline.
Comment: This variant was observed in the ICSL laboratory as part of a predisposition screen in an ostensibly healthy population. It had not been previously curated by ICSL or reported in the Human Gene Mutation Database (HGMD: prior to June 1st, 2018), and was therefore a candidate for classification through an automated scoring system. Utilizing variant allele frequency, disease prevalence and penetrance estimates, and inheritance mode, an automated score was calculated to assess if this variant is too frequent to cause the disease. Based on the score and internal cut-off values, a variant classified as benign is not then subjected to further curation. The score for this variant resulted in a classification of benign for this disease.

GeneDx
Classification: Benign. Last evaluated: 2017-11-06. Review status: criteria provided, single submitter. Criteria: GeneDx Variant Classification (06012015). Collection method: clinical testing. Allele origin: germline. Affected: yes.
Comment: This variant is considered likely benign or benign based on one or more of the following criteria: it is a conservative change, it occurs at a poorly conserved position in the protein, it is predicted to be benign by multiple in silico algorithms, and/or has population frequency not consistent with disease.

Laboratory for Molecular Medicine, Mass General Brigham Personalized Medicine
Classification: Benign. Last evaluated: 2012-04-30. Review status: criteria provided, single submitter. Criteria: LMM Criteria. Collection method: clinical testing. Allele origin: germline. Observed: 24 variant alleles.
Comment: Thr1004Thr in Exon 10 of TECTA: This variant is not expected to have clinical si gnificance because it does not alter an amino acid residue, is not located withi n the splice consensus sequence, and has been identified in 7.0% (261/3738) of A frican American chromosomes from a broad population by the NHLBI Exome Sequencin g Project (dbSNP rs61291716).

Breakthrough Genomics
Classification: Likely benign. Review status: criteria provided, single submitter. Criteria: ACMG Guidelines, 2015. Collection method: not provided. Allele origin: germline. Inheritance: Autosomal recessive inheritance. Affected: yes.

NM_005422.4(TECTA):c.3012C>G (p.Thr1004=)

Genes: TBCEL-TECTA (TBCEL-TECTA readthrough; plus strand), TECTA (tectorin alpha; plus strand). Cytogenetic location: 11q23.3.
Variant type: single nucleotide variant.
Coding change: c.3012C>G on transcript NM_005422.4 (MANE Select); coding-DNA position 3012, C replaced by G.
Protein change: p.Thr1004=; no amino-acid change (threonine 1004 retained).
Molecular consequence: synonymous variant.
Genome position (GRCh38, 1-based): chr11:121,137,491, C>G. VCF-style: chr11-121137491-C-G. GRCh37 (hg19) VCF-style: chr11-121008200-C-G.
Other names: c.3969C>G, p.Thr1323= (NM_001378761.1).
Identifiers: ClinVar variation 45325 (VCV000045325.28), dbSNP rs61291716, ClinGen allele CA136040.